The following is an entry in ClinVar:

NM_152564.5(VPS13B):c.10486G>T (p.Glu3496Ter)

Gene: VPS13B (vacuolar protein sorting 13 homolog B; plus strand). Cytogenetic location: 8q22.2.
Variant type: single nucleotide variant.
Coding change: c.10486G>T on transcript NM_152564.5 (MANE Select); coding-DNA position 10486, G replaced by T.
Protein change: p.Glu3496Ter; replaces glutamic acid 3496 with a stop codon.
Molecular consequence: nonsense.
Genome position (GRCh38, 1-based): chr8:99,853,875, G>T. VCF-style: chr8-99853875-G-T. GRCh37 (hg19) VCF-style: chr8-100866103-G-T.
Other names: c.10561G>T, p.Glu3521Ter (NM_017890.5); short protein forms E3496*, E3521*.
Identifiers: ClinVar variation 5000608 (VCV005000608.1).

ClinVar aggregate classification (germline): Likely pathogenic (1 of 4 stars; one submission).

Conditions:
VPS13B-related disorder. Also called: VPS13B-related condition.

Submission:

PreventionGenetics, part of Exact Sciences
Classification: Likely pathogenic for VPS13B-related condition. Last evaluated: 2025-11-17. Review status: criteria provided, single submitter. Criteria: ACMG Guidelines, 2015. Collection method: clinical testing. Allele origin: germline.
Comment: The VPS13B c.10486G>T variant is predicted to result in premature protein termination (p.Glu3496*). To our knowledge, this variant has not been reported in the literature or in a large population database (gnomAD), indicating this variant is rare. Nonsense variants in VPS13B are expected to be pathogenic. This variant is interpreted as likely pathogenic.